The following is an entry in ClinVar:

NM_016955.4(SEPSECS):c.77del (p.Arg26fs)

Genes: SEPSECS (Sep (O-phosphoserine) tRNA:Sec (selenocysteine) tRNA synthase; minus strand), LOC129992330 (ATAC-STARR-seq lymphoblastoid silent region 15319; plus strand). Cytogenetic location: 4p15.2.
Variant type: Deletion.
Coding change: c.77del on transcript NM_016955.4 (MANE Select); coding-DNA position 77, one base deleted (G; older notation c.77delG).
Protein change: p.Arg26fs; shifts the reading frame from arginine 26.
Molecular consequence: frameshift variant.
Genome position (GRCh38, 1-based): chr4:25,160,293, C deleted on the plus strand (G on the coding strand, the reverse complement: SEPSECS is on the minus strand). VCF-style (leftmost placement, unchanged base first): chr4-25160292-GC-G. GRCh37 (hg19) VCF-style: chr4-25161914-GC-G.
Other names: p.Arg26Profs*42; p.R26Pfs*42; c.77del, p.Arg26fs (NM_001410714.1); c.77delG (NM_016955.4); short protein forms R26fs.
Identifiers: ClinVar variation 4884330 (VCV004884330.1).
Genomic context (GRCh38, chr4:25,160,292, plus strand): 5'-GGGAGGGGACCGACAGCTCGGTACCTTCTCCAGAAGCAGCCGTATGAGGTGCTCATGCGA[GC>G]GGCGGGCCTCACAGCCCTGCCGCACGTAAGCCGGCGACACCAGCCGCTCTCCCGCCGCGA-3'

ClinVar aggregate classification (germline): Likely pathogenic (1 of 4 stars; one submission).

Conditions:
Pontocerebellar hypoplasia type 2D (PCH2D). Also called: Progressive cerebello-cerebral atrophy. Identifiers: Orphanet 247198, Orphanet 2524, MedGen C3151140, MONDO:0013438, OMIM 613811.

Submission:

Clinical Genetics Laboratory, Universite de Sherbrooke
Classification: Likely pathogenic for Pontocerebellar hypoplasia type 2D. Last evaluated: 2016-02-01. Review status: criteria provided, single submitter. Criteria: ACMG Guidelines, 2015. Collection method: curation. Allele origin: germline. Affected: yes.
Comment: The variant is a frameshift predicted to introduce a premature stop codon, supporting its deleterious effect in SEPSECS-related disease (PMID:26888482).

Literature cited by the submitters: PubMed 26888482.